The following is an entry in ClinVar:

ClinVar aggregate classification (germline): Pathogenic (3 of 4 stars; one submission).

Conditions:
Breast-ovarian cancer, familial, susceptibility to, 1 (BROVCA1). Also called: BRCA1 Hereditary Breast and Ovarian Cancer; OVARIAN CANCER, SUSCEPTIBILITY TO. Identifiers: Orphanet 145, MedGen C2676676, MONDO:0011450, OMIM 604370. Disease mechanism: loss of function.

Submission:

Evidence-based Network for the Interpretation of Germline Mutant Alleles (ENIGMA)
Classification: Pathogenic for Breast-ovarian cancer, familial, susceptibility to, 1. Last evaluated: 2017-12-15. Review status: reviewed by expert panel. Criteria: ENIGMA BRCA1/2 Classification Criteria (2017-06-29). Collection method: curation. Allele origin: germline. Study: ENIGMA.
Comment: Variant allele predicted to encode a truncated non-functional protein.

NM_007294.4(BRCA1):c.2443dup (p.Ile815fs)

Gene: BRCA1 (BRCA1 DNA repair associated; minus strand). Cytogenetic location: 17q21.31.
Variant type: Duplication.
Coding change: c.2443dup on transcript NM_007294.4 (MANE Select); coding-DNA position 2443, one base duplicated (A; older notation c.2443dupA).
Protein change: p.Ile815fs; shifts the reading frame from isoleucine 815.
Molecular consequence: frameshift variant. On other transcripts: intron variant (137).
Genome position (GRCh38, 1-based): chr17:43,093,088, T duplicated on the plus strand (A on the coding strand, the reverse complement: BRCA1 is on the minus strand); the first of 2 consecutive T bases (chr17:43,093,088-43,093,089); duplicating either gives the same sequence. VCF-style (leftmost placement, unchanged base first): chr17-43093087-A-AT. GRCh37 (hg19) VCF-style: chr17-41245104-A-AT.
Other names: c.2443dupA (NM_007294.3); c.2443dup, p.Ile815fs (NM_001407593.1, NM_001407594.1, NM_001407596.1 and 30 more transcripts); c.2440dup, p.Ile814fs (NM_001407610.1, NM_001407627.1, NM_001407628.1 and 22 more transcripts); c.2434dup, p.Ile812fs (NM_001407646.1, NM_001407647.1); c.2320dup, p.Ile774fs (NM_001407648.1, NM_001407664.1, NM_001407665.1 and 19 more transcripts); c.2317dup, p.Ile773fs (NM_001407649.1, NM_001407670.1, NM_001407671.1 and 11 more transcripts); c.2365dup, p.Ile789fs (NM_001407653.1, NM_001407654.1, NM_001407655.1 and 4 more transcripts); c.2362dup, p.Ile788fs (NM_001407659.1, NM_001407660.1, NM_001407661.1 and 1 more transcripts); and 42 more; short protein forms I768fs, I815fs, I727fs, I748fs, I773fs, I788fs, I519fs, I745fs.
Identifiers: ClinVar variation 548313 (VCV000548313.2), dbSNP rs80357598, ClinGen allele CA658824009.
Genomic context (GRCh38, chr17:43,093,087, plus strand): 5'-TGTCCCAATGGATACTTAAAGCCTTCTGTGTCATTTCTATTATCTTTGGAACAACCATGA[A>AT]TTAGTCCCTTGGGGTTTTCAAATGCTGCACACTGACTCACACATTTATTTGGTTCTGTTT-3'